The following is an entry in ClinVar:

NM_004304.5(ALK):c.2816-11T>A

Gene: ALK (ALK receptor tyrosine kinase; minus strand). Cytogenetic location: 2p23.2.
Variant type: single nucleotide variant.
Coding change: c.2816-11T>A on transcript NM_004304.5 (MANE Select); 11 bases into the intron before coding-DNA position 2816, T replaced by A.
Molecular consequence: intron variant.
Genome position (GRCh38, 1-based): chr2:29,227,683, A>T on the plus strand (T>A on the coding strand, the complement: ALK is on the minus strand). VCF-style: chr2-29227683-A-T. GRCh37 (hg19) VCF-style: chr2-29450549-A-T.
Identifiers: ClinVar variation 4772664 (VCV004772664.1).
Genomic context (GRCh38, chr2:29,227,683, plus strand): 5'-CCCATCTTCCCCATCCATTTCGGGGTCATTGTTTGAGGCTGCATTGCCGCCTGAGTAGCA[A>T]ACCAGAGCAGAGTTTAACATGGGGGGTGGGTGCCAAAATCTTAACACACACACACGTCAG-3'

ClinVar aggregate classification (germline): Uncertain significance (1 of 4 stars; one submission).

Conditions:
Neuroblastoma, susceptibility to, 3. Also called: ALK-Related Neuroblastic Tumor Susceptibility. Identifiers: Orphanet 635, MedGen C2751681, MONDO:0013083, OMIM 613014.

Submission:

Labcorp Genetics (formerly Invitae), Labcorp
Classification: Uncertain significance for Neuroblastoma, susceptibility to, 3. Last evaluated: 2025-03-15. Review status: criteria provided, single submitter. Criteria: Invitae Variant Classification Sherloc (09022015). Collection method: clinical testing. Allele origin: germline.
Comment: This sequence change falls in intron 16 of the ALK gene. It does not directly change the encoded amino acid sequence of the ALK protein. This variant is not present in population databases (gnomAD no frequency). This variant has not been reported in the literature in individuals affected with ALK-related conditions. Algorithms developed to predict the effect of sequence changes on RNA splicing suggest that this variant may disrupt the consensus splice site. In summary, the available evidence is currently insufficient to determine the role of this variant in disease. Therefore, it has been classified as a Variant of Uncertain Significance.